The following is an entry in ClinVar:

ClinVar aggregate classification (germline): Uncertain significance (1 of 4 stars; one submission).

Conditions:
Mitochondrial hypertrophic cardiomyopathy with lactic acidosis due to MTO1 deficiency. Also called: CARDIOMYOPATHY, INFANTILE HYPERTROPHIC MITOCHONDRIAL, AND LACTIC ACIDOSIS; Combined oxidative phosphorylation deficiency 10. Identifiers: Orphanet 314637, MedGen C4749921, MONDO:0013865, OMIM 614702.

Allele frequency attached by ClinVar (database versions not stated): ExAC 0.00003; 1000 Genomes Project 0.00020; TOPMed below 0.00001; gnomAD 0.00001; gnomAD exomes 0.00004 and 0.00002; 1000 Genomes Project 30x 0.00016.
gnomAD v4.1: 30 of 1,614,150 alleles (0.0019%); highest among the groups gnomAD compares: South Asian, 0.03%; no homozygotes.

Submission:

Labcorp Genetics (formerly Invitae), Labcorp
Classification: Uncertain significance for Mitochondrial hypertrophic cardiomyopathy with lactic acidosis due to MTO1 deficiency. Last evaluated: 2025-07-13. Review status: criteria provided, single submitter. Criteria: Invitae Variant Classification Sherloc (09022015). Collection method: clinical testing. Allele origin: germline.
Comment: This sequence change replaces histidine, which is basic and polar, with arginine, which is basic and polar, at codon 208 of the MTO1 protein (p.His208Arg). This variant is present in population databases (rs560308812, gnomAD 0.03%). This variant has not been reported in the literature in individuals affected with MTO1-related conditions. ClinVar contains an entry for this variant (Variation ID: 575110). Invitae Evidence Modeling of protein sequence and biophysical properties (such as structural, functional, and spatial information, amino acid conservation, physicochemical variation, residue mobility, and thermodynamic stability) indicates that this missense variant is not expected to disrupt MTO1 protein function with a negative predictive value of 95%. In summary, the available evidence is currently insufficient to determine the role of this variant in disease. Therefore, it has been classified as a Variant of Uncertain Significance.

NM_012123.4(MTO1):c.623A>G (p.His208Arg)

Gene: MTO1 (mitochondrial tRNA translation optimization 1; plus strand). Cytogenetic location: 6q13.
Variant type: single nucleotide variant.
Coding change: c.623A>G on transcript NM_012123.4 (MANE Select); coding-DNA position 623, A replaced by G.
Protein change: p.His208Arg; replaces histidine 208 with arginine.
Molecular consequence: missense variant.
Genome position (GRCh38, 1-based): chr6:73,473,452, A>G. VCF-style: chr6-73473452-A-G. GRCh37 (hg19) VCF-style: chr6-74183175-A-G.
Other names: c.623A>G, p.His208Arg (NM_001123226.2, NM_133645.3); short protein forms H208R.
Identifiers: ClinVar variation 575110 (VCV000575110.5), dbSNP rs560308812, ClinGen allele CA3889411.